The following is an entry in ClinVar:

NM_006623.4(PHGDH):c.925G>A (p.Gly309Arg)

Gene: PHGDH (phosphoglycerate dehydrogenase; plus strand). Cytogenetic location: 1p12.
Variant type: single nucleotide variant.
Coding change: c.925G>A on transcript NM_006623.4 (MANE Select); coding-DNA position 925, G replaced by A.
Protein change: p.Gly309Arg; replaces glycine 309 with arginine.
Molecular consequence: missense variant.
Genome position (GRCh38, 1-based): chr1:119,737,246, G>A. VCF-style: chr1-119737246-G-A. GRCh37 (hg19) VCF-style: chr1-120279869-G-A.
Other names: short protein forms G309R.
Identifiers: ClinVar variation 1523619 (VCV001523619.3), dbSNP rs1445772566, ClinGen allele CA341851491.
Genomic context (GRCh38, chr1:119,737,246, plus strand): 5'-AAGGAGGCTCAGAGCCGCTGTGGGGAGGAAATTGCTGTTCAGTTCGTGGACATGGTGAAG[G>A]GGAAATCTCTCACGGGGGTTGTAAGTATCACCACCTGGGGCTGGGGGCCAGGAGTCAGAG-3'
Protein context (NP_006614.2, residues 299-319): IAVQFVDMVK[Gly309Arg]KSLTGVVNAQ

ClinVar aggregate classification (germline): Uncertain significance (1 of 4 stars; one submission).

Conditions:
PHGDH deficiency. Identifiers: Orphanet 79351, MedGen C1866174, MONDO:0011152, OMIM 601815.

Allele frequency attached by ClinVar (database versions not stated): gnomAD 0.00001; gnomAD exomes 0.00001; TOPMed 0.00002.
gnomAD v4.1: 4 of 1,613,936 alleles (0.00025%); highest among the groups gnomAD compares: Admixed American, 0.0067%; no homozygotes.

Submission:

Labcorp Genetics (formerly Invitae), Labcorp
Classification: Uncertain significance for PHGDH deficiency. Last evaluated: 2022-07-05. Review status: criteria provided, single submitter. Criteria: Invitae Variant Classification Sherloc (09022015). Collection method: clinical testing. Allele origin: germline.
Comment: This sequence change replaces glycine, which is neutral and non-polar, with arginine, which is basic and polar, at codon 309 of the PHGDH protein (p.Gly309Arg). This variant is present in population databases (no rsID available, gnomAD 0.006%). This variant has not been reported in the literature in individuals affected with PHGDH-related conditions. ClinVar contains an entry for this variant (Variation ID: 1523619). Algorithms developed to predict the effect of missense changes on protein structure and function are either unavailable or do not agree on the potential impact of this missense change (SIFT: "Tolerated"; PolyPhen-2: "Probably Damaging"; Align-GVGD: "Class C0"). In summary, the available evidence is currently insufficient to determine the role of this variant in disease. Therefore, it has been classified as a Variant of Uncertain Significance.